The following is an entry in ClinVar:

NM_004991.4(MECOM):c.490G>T (p.Ala164Ser)

Gene: MECOM (MDS1 and EVI1 complex locus; minus strand). Cytogenetic location: 3q26.2.
Variant type: single nucleotide variant.
Coding change: c.490G>T on transcript NM_004991.4 (MANE Select); coding-DNA position 490, G replaced by T.
Protein change: p.Ala164Ser; replaces alanine 164 with serine.
Molecular consequence: missense variant. On other transcripts: 5 prime UTR variant (12).
Genome position (GRCh38, 1-based): chr3:169,143,718, C>A on the plus strand (G>T on the coding strand, the complement: MECOM is on the minus strand). VCF-style: chr3-169143718-C-A. GRCh37 (hg19) VCF-style: chr3-168861506-C-A.
Other names: c.118G>T, p.Ala40Ser (NM_001105077.4); c.-75G>T (NM_001105078.4, NM_001163999.2, NM_001164000.2 and 9 more transcripts); c.490G>T, p.Ala164Ser (NM_001366466.2, NM_001366473.2); short protein forms A40S, A164S.
Identifiers: ClinVar variation 5024119 (VCV005024119.1).

ClinVar aggregate classification (germline): Uncertain significance (1 of 4 stars; one submission).

Conditions:
Inborn genetic diseases. Identifiers: MedGen C0950123, MeSH D030342.

gnomAD v4.1: 2 of 1,604,468 alleles (0.00012%); highest among the groups gnomAD compares: Non-Finnish European, 0.00017%; no homozygotes.

Submission:

Ambry Genetics
Classification: Uncertain significance for Inborn genetic diseases. Last evaluated: 2026-06-26. Review status: criteria provided, single submitter. Criteria: Ambry Variant Classification Scheme 2023. Collection method: clinical testing. Allele origin: germline.
Comment: The p.A164S variant (also known as c.490G>T), located in coding exon 3 of the MECOM gene, results from a G to T substitution at nucleotide position 490. The alanine at codon 164 is replaced by serine, an amino acid with similar properties. This amino acid position is conserved. In addition, this alteration is predicted to be tolerated by in silico analysis. Based on the available evidence, the clinical significance of this variant remains unclear.